The following is an entry in ClinVar:

NM_000540.3(RYR1):c.11597A>G (p.Asn3866Ser)

Gene: RYR1 (ryanodine receptor 1; plus strand). Cytogenetic location: 19q13.2.
Variant type: single nucleotide variant.
Coding change: c.11597A>G on transcript NM_000540.3 (MANE Select); coding-DNA position 11597, A replaced by G.
Protein change: p.Asn3866Ser; replaces asparagine 3866 with serine.
Molecular consequence: missense variant.
Genome position (GRCh38, 1-based): chr19:38,536,756, A>G. VCF-style: chr19-38536756-A-G. GRCh37 (hg19) VCF-style: chr19-39027396-A-G.
Other names: c.11582A>G, p.Asn3861Ser (NM_001042723.2); short protein forms N3861S, N3866S.
Identifiers: ClinVar variation 2911576 (VCV002911576.5), dbSNP rs767107632, ClinGen allele CA057243.
Genomic context (GRCh38, chr19:38,536,756, plus strand): 5'-CTCTTTTTCTCTCTTTTCTCCTGCTTCCTCCTCCCATCCTGTTGGCTGCCCCAGTCATCA[A>G]TCGCCAGAACGGTAATTCCCCCAGCCCACCCCCGTGCTGTGCTGCTGTCACCCACCCCTC-3'
Protein context (NP_000531.2, residues 3856-3876): GMVNEDGTVI[Asn3866Ser]RQNGEKVMAD

ClinVar aggregate classification (germline): Conflicting classifications of pathogenicity. Review status: criteria provided, conflicting classifications (1 of 4 stars). 3 submissions from 3 submitters: Uncertain significance (2); Likely benign (1). Last evaluated 2023-11-02.

Conditions:
Malignant hyperthermia, susceptibility to, 1 (MHS1). Also called: Malignant hyperthermia suceptibility 1; Anesthesia related hyperthermia; Malignant hyperpyrexia; Fulminating hyperpyrexia; Pharmacogenic myopathy; RYR1-Related Malignant Hyperthermia Susceptibility. Identifiers: Orphanet 423, MedGen C2930980, MONDO:0007783, OMIM 145600.
RYR1-related disorder. Also called: RYR1-related disorders; RYR1-related condition. Identifiers: MedGen CN239331.

Allele frequency attached by ClinVar (database versions not stated): TOPMed 0.00001; gnomAD exomes 0.00003; gnomAD 0.00006; ExAC 0.00007.
gnomAD v4.1: 51 of 1,613,518 alleles (0.0032%); highest among the groups gnomAD compares: African/African-American, 0.0013%; no homozygotes.

Submissions (3):

All of Us Research Program, National Institutes of Health
Classification: Uncertain significance for Malignant hyperthermia, susceptibility to, 1. Last evaluated: 2023-11-02. Review status: criteria provided, single submitter. Criteria: ACMG Guidelines, 2015. Collection method: clinical testing. Allele origin: germline. Inheritance: Autosomal dominant inheritance. Observed: 1 variant allele, 1 heterozygote.
Comment: This missense variant replaces asparagine with serine at codon 3866 of the RYR1 protein. Computational prediction suggests that this variant may not impact protein structure and function (internally defined REVEL score threshold <= 0.5, PMID: 27666373). To our knowledge, functional studies have not been reported for this variant. This variant has not been reported in individuals affected with RYR1-related disorders in the literature. This variant has been identified in 20/282510 chromosomes in the general population by the Genome Aggregation Database (gnomAD). The available evidence is insufficient to determine the role of this variant in disease conclusively. Therefore, this variant is classified as a Variant of Uncertain Significance.

This study involves interpretation of variants in research participants for the purpose of population health screening. Participant phenotype was not available at the time of variant classification. Additional details can be found in publication PMID: 35346344, PMCID: PMC8962531

Color Diagnostics, LLC DBA Color Health
Classification: Uncertain significance for Malignant hyperthermia, susceptibility to, 1. Last evaluated: 2023-10-11. Review status: criteria provided, single submitter. Criteria: ACMG Guidelines, 2015. Collection method: clinical testing. Allele origin: germline.
Comment: This missense variant replaces asparagine with serine at codon 3866 of the RYR1 protein. Computational prediction suggests that this variant may not impact protein structure and function. To our knowledge, functional studies have not been reported for this variant. This variant has not been reported in individuals affected with RYR1-related disorders in the literature. This variant has been identified in 20/282510 chromosomes in the general population by the Genome Aggregation Database (gnomAD). The available evidence is insufficient to determine the role of this variant in disease conclusively. Therefore, this variant is classified as a Variant of Uncertain Significance.

Labcorp Genetics (formerly Invitae), Labcorp
Classification: Likely benign for RYR1-related disorder. Last evaluated: 2023-07-13. Review status: criteria provided, single submitter. Criteria: Invitae Variant Classification Sherloc (09022015). Collection method: clinical testing. Allele origin: germline.